The following is an entry in ClinVar:

ClinVar aggregate classification (germline): Uncertain significance. Review status: criteria provided, multiple submitters, no conflicts (2 of 4 stars). 2 submissions from 2 submitters: Uncertain significance (2). Last evaluated 2024-11-30.

Conditions:
Encephalopathy, acute, infection-induced (herpes-specific), susceptibility to, 1. Also called: Herpes simplex encephalitis, susceptibility to, 1. Identifiers: Orphanet 1930, MedGen C2750180, MONDO:0024563, OMIM 610551.

Allele frequency attached by ClinVar (database versions not stated): gnomAD 0.00001; gnomAD exomes 0.00001; ExAC 0.00003.
gnomAD v4.1: 13 of 1,613,942 alleles (0.00081%); highest among the groups gnomAD compares: South Asian, 0.0077%; no homozygotes.

Submissions (2):

Labcorp Genetics (formerly Invitae), Labcorp
Classification: Uncertain significance for Encephalopathy, acute, infection-induced (herpes-specific), susceptibility to, 1. Last evaluated: 2024-11-30. Review status: criteria provided, single submitter. Criteria: Invitae Variant Classification Sherloc (09022015). Collection method: clinical testing. Allele origin: germline.
Comment: This sequence change replaces glycine, which is neutral and non-polar, with serine, which is neutral and polar, at codon 573 of the TLR3 protein (p.Gly573Ser). This variant is present in population databases (rs764584083, gnomAD 0.02%). This variant has not been reported in the literature in individuals affected with TLR3-related conditions. ClinVar contains an entry for this variant (Variation ID: 2276049). An algorithm developed to predict the effect of missense changes on protein structure and function (PolyPhen-2) suggests that this variant is likely to be disruptive. In summary, the available evidence is currently insufficient to determine the role of this variant in disease. Therefore, it has been classified as a Variant of Uncertain Significance.

Ambry Genetics
Classification: Uncertain significance. Last evaluated: 2022-02-04. Review status: criteria provided, single submitter. Criteria: Ambry Variant Classification Scheme 2023. Collection method: clinical testing. Allele origin: germline.

NM_003265.3(TLR3):c.1717G>A (p.Gly573Ser)

Gene: TLR3 (toll like receptor 3; plus strand). Cytogenetic location: 4q35.1.
Variant type: single nucleotide variant.
Coding change: c.1717G>A on transcript NM_003265.3 (MANE Select); coding-DNA position 1717, G replaced by A.
Protein change: p.Gly573Ser; replaces glycine 573 with serine.
Molecular consequence: missense variant.
Genome position (GRCh38, 1-based): chr4:186,083,403, G>A. VCF-style: chr4-186083403-G-A. GRCh37 (hg19) VCF-style: chr4-187004557-G-A.
Other names: short protein forms G573S.
Identifiers: ClinVar variation 2276049 (VCV002276049.5), dbSNP rs764584083, ClinGen allele CA3161465.
Genomic context (GRCh38, chr4:186,083,403, plus strand): 5'-GGTCCCATTTATTTCCTAAAGGGTCTGTCTCACCTCCACATCCTTAACTTGGAGTCCAAC[G>A]GCTTTGACGAGATCCCAGTTGAGGTCTTCAAGGATTTATTTGAACTAAAGATCATCGATT-3'
Protein context (NP_003256.1, residues 563-583): HLHILNLESN[Gly573Ser]FDEIPVEVFK